The following is an entry in ClinVar:

ClinVar aggregate classification (germline): Uncertain significance (1 of 4 stars; one submission).

gnomAD v4.1: 34 of 1,554,670 alleles (0.0022%); highest among the groups gnomAD compares: African/African-American, 0.0082%; no homozygotes.

Submission:

Labcorp Genetics (formerly Invitae), Labcorp
Classification: Uncertain significance. Last evaluated: 2025-12-10. Review status: criteria provided, single submitter. Criteria: Invitae Variant Classification Sherloc (09022015). Collection method: clinical testing. Allele origin: germline.
Comment: This sequence change replaces threonine, which is neutral and polar, with methionine, which is neutral and non-polar, at codon 152 of the TCIRG1 protein (p.Thr152Met). The frequency data for this variant in the population databases is considered unreliable, as metrics indicate poor data quality at this position in the gnomAD database. This variant has not been reported in the literature in individuals affected with TCIRG1-related conditions. ClinVar contains an entry for this variant (Variation ID: 3628780). Invitae Evidence Modeling of protein sequence and biophysical properties (such as structural, functional, and spatial information, amino acid conservation, physicochemical variation, residue mobility, and thermodynamic stability) indicates that this missense variant is not expected to disrupt TCIRG1 protein function with a negative predictive value of 80%. In summary, the available evidence is currently insufficient to determine the role of this variant in disease. Therefore, it has been classified as a Variant of Uncertain Significance.

NM_006019.4(TCIRG1):c.455C>T (p.Thr152Met)

Gene: TCIRG1 (T cell immune regulator 1, ATPase H+ transporting V0 subunit a3; plus strand). Cytogenetic location: 11q13.2.
Variant type: single nucleotide variant.
Coding change: c.455C>T on transcript NM_006019.4 (MANE Select); coding-DNA position 455, C replaced by T.
Protein change: p.Thr152Met; replaces threonine 152 with methionine.
Molecular consequence: missense variant. On other transcripts: 5 prime UTR variant (2).
Genome position (GRCh38, 1-based): chr11:68,042,983, C>T. VCF-style: chr11-68042983-C-T. GRCh37 (hg19) VCF-style: chr11-67810450-C-T.
Other names: c.-795C>T (NM_001351059.2); c.-533C>T (NM_006053.4); short protein forms T152M.
Identifiers: ClinVar variation 3628780 (VCV003628780.2).
Genomic context (GRCh38, chr11:68,042,983, plus strand): 5'-TCATGGTGCTTCTGGGTTCCTAGCTGGCAGCCGCCCACACAGATGGGGCCTCAGAGAGGA[C>T]GCCCCTGCTCCAGGCCCCCGGGGGGCCGCACCAGGACCTGAGGGTCAAGTGAGTGAGGGA-3'
Protein context (NP_006010.2, residues 142-162): AAHTDGASER[Thr152Met]PLLQAPGGPH